The following is an entry in ClinVar:

ClinVar aggregate classification (germline): Benign (1 of 4 stars; one submission).

Conditions:
Occult macular dystrophy (OCMD). Also called: OMD; OCCULT MACULAR DYSTROPHY, SUSCEPTIBILITY TO. Identifiers: Orphanet 247834, MedGen C3150833, MONDO:0013316, OMIM 613587, HP:0030636.

gnomAD v4.1: 5 of 1,613,776 alleles (0.00031%); highest among the groups gnomAD compares: Admixed American, 0.0067%; no homozygotes.

Submission:

Illumina Laboratory Services, Illumina
Classification: Benign for Occult macular dystrophy. Last evaluated: 2018-01-12. Review status: criteria provided, single submitter. Criteria: ICSL Variant Classification Criteria 13 December 2019. Collection method: clinical testing. Allele origin: germline.
Comment: This variant was observed in the ICSL laboratory as part of a predisposition screen in an ostensibly healthy population. It had not been previously curated by ICSL or reported in the Human Gene Mutation Database (HGMD: prior to June 1st, 2018), and was therefore a candidate for classification through an automated scoring system. Utilizing variant allele frequency, disease prevalence and penetrance estimates, and inheritance mode, an automated score was calculated to assess if this variant is too frequent to cause the disease. Based on the score and internal cut-off values, a variant classified as benign is not then subjected to further curation. The score for this variant resulted in a classification of benign for this disease.

NM_178857.6(RP1L1):c.2191G>A (p.Asp731Asn)

Gene: RP1L1 (RP1 like 1). Cytogenetic location: 8p23.1.
Variant type: single nucleotide variant.
Coding change: c.2191G>A on transcript NM_178857.6 (MANE Select); coding-DNA position 2191, G replaced by A.
Protein change: p.Asp731Asn; replaces aspartic acid 731 with asparagine.
Molecular consequence: missense variant.
Genome position (GRCh38, 1-based): chr8:10,611,907, C>T on the plus strand (G>A on the coding strand, the complement: RP1L1 is on the minus strand). VCF-style: chr8-10611907-C-T. GRCh37 (hg19) VCF-style: chr8-10469417-C-T.
Other names: short protein forms D731N.
Identifiers: ClinVar variation 361354 (VCV000361354.5), dbSNP rs768251529, ClinGen allele CA4624915.